The following is an entry in ClinVar:

NM_000441.2(SLC26A4):c.882_883del (p.His294fs)

Gene: SLC26A4 (solute carrier family 26 member 4; plus strand). Cytogenetic location: 7q22.3.
Variant type: Microsatellite.
Coding change: c.882_883del on transcript NM_000441.2 (MANE Select); coding-DNA positions 882 to 883, 2 bases deleted (CA; older notation c.882_883delCA).
Protein change: p.His294fs; shifts the reading frame from histidine 294.
Molecular consequence: frameshift variant.
Genome position (GRCh38, 1-based): chr7:107,683,318-107,683,319, CA deleted; deleting any 2 consecutive bases within chr7:107,683,315-107,683,319 gives the same sequence; the c. name uses the placement nearest the transcript's 3' end. VCF-style (leftmost placement, unchanged base first): chr7-107683314-GAC-G. GRCh37 (hg19) VCF-style: chr7-107323759-GAC-G.
Other names: c.882_883delCA (NM_000441.2); short protein forms H294fs.
Identifiers: ClinVar variation 1180820 (VCV001180820.2), dbSNP rs2129314494, ClinGen allele CA658795312.

ClinVar aggregate classification (germline): Likely pathogenic. Review status: criteria provided, multiple submitters, no conflicts (2 of 4 stars). 2 submissions from 2 submitters: Likely pathogenic (2). Last evaluated 2023-02-14.

Conditions:
Autosomal recessive nonsyndromic hearing loss 4 (DFNB4). Also called: FOXI1-Related Pendred Syndrome; KCNJ10-Related Pendred Syndrome; DEAFNESS, AUTOSOMAL RECESSIVE 4, WITH ENLARGED VESTIBULAR AQUEDUCT, DIGENIC; NEUROSENSORY NONSYNDROMIC RECESSIVE DEAFNESS 4; Enlarged vestibular aqueduct, digenic; Deafness, autosomal recessive 4, with enlarged vestibular aqueduct. Identifiers: Orphanet 90636, MedGen C3538946, MONDO:0010933, OMIM 600791.
Ear malformation. Also called: CUP EAR; Abnormality of the ear. Identifiers: MedGen C0266589, MONDO:0007500, OMIM 128600, HP:0000598.

Submissions (2):

Neuberg Centre For Genomic Medicine, NCGM
Classification: Likely pathogenic for Autosomal recessive nonsyndromic hearing loss 4. Last evaluated: 2023-02-14. Review status: criteria provided, single submitter. Criteria: ACMG Guidelines, 2015. Collection method: clinical testing. Allele origin: germline. Inheritance: Autosomal recessive inheritance. Affected: yes.
Comment: The frame shift c.882_883del (p.His294GlnfsTer35) variant in SLC26A4 gene has been reported in compound heterozygous state in individuals affected with SLC26A4 related disorder (Yazdanpanahi N et al. 2013). The p.His294GlnfsTer35 variant is novel (not in any individuals) in gnomAD Exomes and 1000 Genomes. This variant has been reported to the ClinVar database as Likely Pathogenic. This variant causes a frameshift starting with codon Histidine 294, changes this amino acid to Glutamine residue, and creates a premature Stop codon at position 35 of the new reading frame, denoted p.His294GlnfsTer35. This variant is predicted to cause loss of normal protein function through protein truncation. Loss of function variants have been previously reported to be disease causing. For these reasons, this variant has been classified as Likely Pathogenic.

Kariminejad - Najmabadi Pathology & Genetics Center
Classification: Likely pathogenic for Ear malformation. Last evaluated: 2021-07-10. Review status: criteria provided, single submitter. Criteria: ACMG Guidelines, 2015. Collection method: clinical testing. Allele origin: germline. Affected: yes.